The following is an entry in ClinVar:

ClinVar aggregate classification (germline): Uncertain significance (1 of 4 stars; one submission).

Allele frequency attached by ClinVar (database versions not stated): ExAC 0.00001; gnomAD exomes 0.00001; gnomAD 0.00004; TOPMed 0.00006.
gnomAD v4.1: 7 of 1,613,256 alleles (0.00043%); highest among the groups gnomAD compares: African/African-American, 0.008%; no homozygotes.

Submission:

Labcorp Genetics (formerly Invitae), Labcorp
Classification: Uncertain significance. Last evaluated: 2022-07-06. Review status: criteria provided, single submitter. Criteria: Invitae Variant Classification Sherloc (09022015). Collection method: clinical testing. Allele origin: germline.
Comment: In summary, the available evidence is currently insufficient to determine the role of this variant in disease. Therefore, it has been classified as a Variant of Uncertain Significance. Advanced modeling of protein sequence and biophysical properties (such as structural, functional, and spatial information, amino acid conservation, physicochemical variation, residue mobility, and thermodynamic stability) performed at Invitae indicates that this missense variant is not expected to disrupt COQ8B protein function. ClinVar contains an entry for this variant (Variation ID: 1524028). This variant has not been reported in the literature in individuals affected with COQ8B-related conditions. This variant is present in population databases (rs770418178, gnomAD 0.008%). This sequence change replaces cysteine, which is neutral and slightly polar, with arginine, which is basic and polar, at codon 24 of the COQ8B protein (p.Cys24Arg).

NM_024876.4(COQ8B):c.70T>C (p.Cys24Arg)

Gene: COQ8B (coenzyme Q8B; minus strand). Cytogenetic location: 19q13.2.
Variant type: single nucleotide variant.
Coding change: c.70T>C on transcript NM_024876.4 (MANE Select); coding-DNA position 70, T replaced by C.
Protein change: p.Cys24Arg; replaces cysteine 24 with arginine.
Molecular consequence: missense variant.
Genome position (GRCh38, 1-based): chr19:40,714,563, A>G on the plus strand (T>C on the coding strand, the complement: COQ8B is on the minus strand). VCF-style: chr19-40714563-A-G. GRCh37 (hg19) VCF-style: chr19-41220468-A-G.
Other names: c.70T>C, p.Cys24Arg (NM_001142555.3); short protein forms C24R.
Identifiers: ClinVar variation 1524028 (VCV001524028.4), dbSNP rs770418178, ClinGen allele CA9450558.